The following is an entry in ClinVar:

NM_017617.5(NOTCH1):c.7013A>G (p.Gln2338Arg)

Gene: NOTCH1 (notch receptor 1; minus strand). Cytogenetic location: 9q34.3.
Variant type: single nucleotide variant.
Coding change: c.7013A>G on transcript NM_017617.5 (MANE Select); coding-DNA position 7013, A replaced by G.
Protein change: p.Gln2338Arg; replaces glutamine 2338 with arginine.
Molecular consequence: missense variant.
Genome position (GRCh38, 1-based): chr9:136,496,726, T>C on the plus strand (A>G on the coding strand, the complement: NOTCH1 is on the minus strand). VCF-style: chr9-136496726-T-C. GRCh37 (hg19) VCF-style: chr9-139391178-T-C.
Other names: short protein forms Q2338R.
Identifiers: ClinVar variation 3406832 (VCV003406832.3).

ClinVar aggregate classification (germline): Uncertain significance. Review status: criteria provided, multiple submitters, no conflicts (2 of 4 stars). 2 submissions from 2 submitters: Uncertain significance (2). Last evaluated 2024-08-19.

Conditions:
Adams-Oliver syndrome 5 (AOS5). Identifiers: Orphanet 974, MedGen C4014970, MONDO:0014459, OMIM 616028.
Familial thoracic aortic aneurysm and aortic dissection (TAAD). Also called: Thoracic aortic aneurysms and dissections. Identifiers: Orphanet 91387, MedGen C4707243, MONDO:0019625.

Submissions (2):

Ambry Genetics
Classification: Uncertain significance for Familial thoracic aortic aneurysm and aortic dissection. Last evaluated: 2024-08-19. Review status: criteria provided, single submitter. Criteria: Ambry Variant Classification Scheme 2023. Collection method: clinical testing. Allele origin: germline.
Comment: The p.Q2338R variant (also known as c.7013A>G), located in coding exon 34 of the NOTCH1 gene, results from an A to G substitution at nucleotide position 7013. The glutamine at codon 2338 is replaced by arginine, an amino acid with highly similar properties. This amino acid position is conserved. In addition, this alteration is predicted to be tolerated by in silico analysis. Based on the available evidence, the clinical significance of this variant remains unclear.

Labcorp Genetics (formerly Invitae), Labcorp
Classification: Uncertain significance for Adams-Oliver syndrome 5. Last evaluated: 2024-07-31. Review status: criteria provided, single submitter. Criteria: Invitae Variant Classification Sherloc (09022015). Collection method: clinical testing. Allele origin: germline.
Comment: This sequence change replaces glutamine, which is neutral and polar, with arginine, which is basic and polar, at codon 2338 of the NOTCH1 protein (p.Gln2338Arg). This variant is not present in population databases (gnomAD no frequency). This variant has not been reported in the literature in individuals affected with NOTCH1-related conditions. Advanced modeling of protein sequence and biophysical properties (such as structural, functional, and spatial information, amino acid conservation, physicochemical variation, residue mobility, and thermodynamic stability) performed at Invitae indicates that this missense variant is not expected to disrupt NOTCH1 protein function with a negative predictive value of 95%. In summary, the available evidence is currently insufficient to determine the role of this variant in disease. Therefore, it has been classified as a Variant of Uncertain Significance.